The following is an entry in ClinVar:

ClinVar aggregate classification (germline): Likely pathogenic (1 of 4 stars; one submission).

Conditions:
Osteogenesis imperfecta with normal sclerae, dominant form (OI4). Also called: OSTEOGENESIS IMPERFECTA WITH NORMAL SCLERAE; Osteogenesis Imperfecta Type IV; Common Variable Osteogenesis Imperfecta with Normal Sclerae; Osteogenesis imperfecta type 4; OSTEOGENESIS IMPERFECTA, TYPE IV, WITH DENTINOGENESIS IMPERFECTA. Identifiers: Orphanet 216820, Orphanet 666, MedGen C0268363, MONDO:0008148, OMIM 166220.

Submission:

3billion
Classification: Likely pathogenic for Osteogenesis imperfecta with normal sclerae, dominant form. Last evaluated: 2024-07-01. Review status: criteria provided, single submitter. Criteria: ACMG Guidelines, 2015. Collection method: clinical testing. Allele origin: germline. Affected: yes.
Comment: The variant is not observed in the gnomAD v4.0.0 dataset. Predicted Consequence/Location: Missense variant In silico tool predictions suggest damaging effect of the variant on gene or gene product [REVEL: 0.98 (>=0.6, sensitivity 0.68 and specificity 0.92); 3Cnet: 1.00 (>=0.6, sensitivity 0.72 and precision 0.9)]. The same nucleotide change resulting in the same amino acid change has been previously reported to be associated with COL1A1 related disorder (PMID: 35909573).The variant has been previously reported as assumed (i.e. paternity and maternity not confirmed) de novo in at least one similarly affected unrelated individual (PMID: 35909573). Therefore, this variant is classified as Likely pathogenic according to the recommendation of ACMG/AMP guideline.

Literature cited by the submitters: PubMed 35909573.

NM_000088.4(COL1A1):c.2669G>C (p.Gly890Ala)

Gene: COL1A1 (collagen type I alpha 1 chain; minus strand). Cytogenetic location: 17q21.33.
Variant type: single nucleotide variant.
Coding change: c.2669G>C on transcript NM_000088.4 (MANE Select); coding-DNA position 2669, G replaced by C.
Protein change: p.Gly890Ala; replaces glycine 890 with alanine.
Molecular consequence: missense variant.
Genome position (GRCh38, 1-based): chr17:50,189,537, C>G on the plus strand (G>C on the coding strand, the complement: COL1A1 is on the minus strand). VCF-style: chr17-50189537-C-G. GRCh37 (hg19) VCF-style: chr17-48266898-C-G.
Other names: short protein forms G890A.
Identifiers: ClinVar variation 2572380 (VCV002572380.2), dbSNP rs867267949, ClinGen allele CA400206107.